The following is an entry in ClinVar:

ClinVar aggregate classification (germline): Likely benign (0 of 4 stars; one submission).

Conditions:
DNAH10-related disorder. Also called: DNAH10-related condition.

Allele frequency attached by ClinVar (database versions not stated): gnomAD exomes 0.00004; ExAC 0.00015; 1000 Genomes Project 30x 0.00016; ESP Exome Variant Server 0.00016; 1000 Genomes Project 0.00020; gnomAD 0.00036; TOPMed 0.00039.
gnomAD v4.1: 132 of 1,609,882 alleles (0.0082%); highest among the groups gnomAD compares: African/African-American, 0.14%; 1 homozygote.

Submission:

PreventionGenetics, part of Exact Sciences
Classification: Likely benign for DNAH10-related condition. Last evaluated: 2019-10-02. Review status: no assertion criteria provided. Collection method: clinical testing. Allele origin: germline.
Comment: This variant is classified as likely benign based on ACMG/AMP sequence variant interpretation guidelines (Richards et al. 2015 PMID: 25741868, with internal and published modifications).

NM_001372106.1(DNAH10):c.9627C>T (p.Val3209=)

Gene: DNAH10 (dynein axonemal heavy chain 10; plus strand). Cytogenetic location: 12q24.31.
Variant type: single nucleotide variant.
Coding change: c.9627C>T on transcript NM_001372106.1 (MANE Select); coding-DNA position 9627, C replaced by T.
Protein change: p.Val3209=; no amino-acid change (valine 3209 retained).
Molecular consequence: synonymous variant.
Genome position (GRCh38, 1-based): chr12:123,898,801, C>T. VCF-style: chr12-123898801-C-T. GRCh37 (hg19) VCF-style: chr12-124383348-C-T.
Other names: c.9273C>T, p.Val3091= (NM_001083900.1, NM_207437.3).
Identifiers: ClinVar variation 3045563 (VCV003045563.2), dbSNP rs371833052, ClinGen allele CA6865123.
Genomic context (GRCh38, chr12:123,898,801, plus strand): 5'-GAAGATCGTGCTGGCGGAGAAGTCCGCCGCCTGCGAGGCCTTGCTGGAGGAGATCGCCGT[C>T]AACACCGCTGTAGGTGAGTGAGGGCGGGGCCAGGGCAGCCCATCCCCAACACCCAATACC-3'
Protein context (NP_001359035.1, residues 3199-3219): ACEALLEEIA[Val3209=]NTAVAEEKKK